The following is an entry in ClinVar:

NM_001270508.2(TNFAIP3):c.2357A>C (p.Lys786Thr)

Gene: TNFAIP3 (TNF alpha induced protein 3; plus strand). Cytogenetic location: 6q23.3.
Variant type: single nucleotide variant.
Coding change: c.2357A>C on transcript NM_001270508.2 (MANE Select); coding-DNA position 2357, A replaced by C.
Protein change: p.Lys786Thr; replaces lysine 786 with threonine.
Molecular consequence: missense variant.
Genome position (GRCh38, 1-based): chr6:137,881,303, A>C. VCF-style: chr6-137881303-A-C. GRCh37 (hg19) VCF-style: chr6-138202440-A-C.
Other names: c.2357A>C, p.Lys786Thr (NM_001270507.2, NM_006290.4); short protein forms K786T.
Identifiers: ClinVar variation 2784548 (VCV002784548.17), dbSNP rs780619781, ClinGen allele CA4019848.

ClinVar aggregate classification (germline): Uncertain significance. Review status: criteria provided, multiple submitters, no conflicts (2 of 4 stars). 2 submissions from 2 submitters: Uncertain significance (2). Last evaluated 2025-01-14.

Allele frequency attached by ClinVar (database versions not stated): TOPMed below 0.00001; gnomAD 0.00001; gnomAD exomes 0.00001; ExAC 0.00004.
gnomAD v4.1: 8 of 1,549,854 alleles (0.00052%); highest among the groups gnomAD compares: Non-Finnish European, 0.0007%; no homozygotes.

Submissions (2):

Labcorp Genetics (formerly Invitae), Labcorp
Classification: Uncertain significance. Last evaluated: 2025-01-14. Review status: criteria provided, single submitter. Criteria: Invitae Variant Classification Sherloc (09022015). Collection method: clinical testing. Allele origin: germline.
Comment: This sequence change replaces lysine, which is basic and polar, with threonine, which is neutral and polar, at codon 786 of the TNFAIP3 protein (p.Lys786Thr). This variant is present in population databases (rs780619781, gnomAD 0.006%). This variant has not been reported in the literature in individuals affected with TNFAIP3-related conditions. ClinVar contains an entry for this variant (Variation ID: 2784548). An algorithm developed to predict the effect of missense changes on protein structure and function (PolyPhen-2) suggests that this variant is likely to be disruptive. In summary, the available evidence is currently insufficient to determine the role of this variant in disease. Therefore, it has been classified as a Variant of Uncertain Significance.

CeGaT Center for Human Genetics Tuebingen
Classification: Uncertain significance. Last evaluated: 2024-09-01. Review status: criteria provided, single submitter. Criteria: CeGaT Center For Human Genetics Tuebingen Variant Classification Criteria Version 2. Collection method: clinical testing. Allele origin: germline. Affected: yes. Observed: 1 variant allele.
Comment: TNFAIP3: PM2:Supporting, BP1